The following is an entry in ClinVar:

ClinVar aggregate classification (germline): Uncertain significance (1 of 4 stars; one submission).

gnomAD v4.1: 1 of 1,614,190 alleles (0.000062%); highest among the groups gnomAD compares: Non-Finnish European, 0.000085%; no homozygotes.

Submission:

Labcorp Genetics (formerly Invitae), Labcorp
Classification: Uncertain significance. Last evaluated: 2024-07-21. Review status: criteria provided, single submitter. Criteria: Invitae Variant Classification Sherloc (09022015). Collection method: clinical testing. Allele origin: germline.
Comment: This sequence change replaces leucine, which is neutral and non-polar, with phenylalanine, which is neutral and non-polar, at codon 155 of the SPTB protein (p.Leu155Phe). This variant is not present in population databases (gnomAD no frequency). This variant has not been reported in the literature in individuals affected with SPTB-related conditions. An algorithm developed to predict the effect of missense changes on protein structure and function (PolyPhen-2) suggests that this variant is likely to be disruptive. In summary, the available evidence is currently insufficient to determine the role of this variant in disease. Therefore, it has been classified as a Variant of Uncertain Significance.

NM_001355436.2(SPTB):c.463C>T (p.Leu155Phe)

Gene: SPTB (spectrin beta, erythrocytic; minus strand). Cytogenetic location: 14q23.3.
Variant type: single nucleotide variant.
Coding change: c.463C>T on transcript NM_001355436.2 (MANE Select); coding-DNA position 463, C replaced by T.
Protein change: p.Leu155Phe; replaces leucine 155 with phenylalanine.
Molecular consequence: missense variant.
Genome position (GRCh38, 1-based): chr14:64,803,618, G>A on the plus strand (C>T on the coding strand, the complement: SPTB is on the minus strand). VCF-style: chr14-64803618-G-A. GRCh37 (hg19) VCF-style: chr14-65270336-G-A.
Other names: c.463C>T, p.Leu155Phe (NM_001024858.4, NM_001355437.2); short protein forms L155F.
Identifiers: ClinVar variation 3660093 (VCV003660093.2).